The following is an entry in ClinVar:

NM_005612.5(REST):c.2227G>T (p.Glu743Ter)

Gene: REST (RE1 silencing transcription factor; plus strand). Cytogenetic location: 4q12.
Variant type: single nucleotide variant.
Coding change: c.2227G>T on transcript NM_005612.5 (MANE Select); coding-DNA position 2227, G replaced by T.
Protein change: p.Glu743Ter; replaces glutamic acid 743 with a stop codon.
Molecular consequence: nonsense.
Genome position (GRCh38, 1-based): chr4:56,931,085, G>T. VCF-style: chr4-56931085-G-T. GRCh37 (hg19) VCF-style: chr4-57797251-G-T.
Other names: c.2227G>T, p.Glu743Ter (NM_001193508.2, NM_001363453.3); short protein forms E743*.
Identifiers: ClinVar variation 620429 (VCV000620429.1), dbSNP rs777288773, ClinGen allele CA357008351.

ClinVar aggregate classification (germline): Pathogenic (1 of 4 stars; one submission).

Submission:

GeneDx
Classification: Pathogenic. Last evaluated: 2018-10-27. Review status: criteria provided, single submitter. Criteria: GeneDx Variant Classification (06012015). Collection method: clinical testing. Allele origin: germline. Affected: yes.
Comment: The E743X variant in the REST gene has not been reported previously as a pathogenic variant nor as a benign variant, to our knowledge. This variant is predicted to cause loss of normal protein function either through protein truncation or nonsense-mediated mRNA decay. The E743X variant is not observed in large population cohorts (Lek et al., 2016). We interpret E743X as a pathogenic variant